The following is an entry in ClinVar:

NM_020937.4(FANCM):c.809G>A (p.Arg270His)

Gene: FANCM (FA complementation group M; plus strand). Cytogenetic location: 14q21.2.
Variant type: single nucleotide variant.
Coding change: c.809G>A on transcript NM_020937.4 (MANE Select); coding-DNA position 809, G replaced by A.
Protein change: p.Arg270His; replaces arginine 270 with histidine.
Molecular consequence: missense variant.
Genome position (GRCh38, 1-based): chr14:45,148,886, G>A. VCF-style: chr14-45148886-G-A. GRCh37 (hg19) VCF-style: chr14-45618089-G-A.
Other names: c.731G>A, p.Arg244His (NM_001308133.2); c.809G>A, p.Arg270His (NM_001308134.2); c.809G>A (NM_020937.2); short protein forms R270H, R244H.
Identifiers: ClinVar variation 1373340 (VCV001373340.5), dbSNP rs759079934, ClinGen allele CA389589870.

ClinVar aggregate classification (germline): Uncertain significance. Review status: criteria provided, multiple submitters, no conflicts (2 of 4 stars). 3 submissions from 3 submitters: Uncertain significance (3). Last evaluated 2024-01-26.

Conditions:
Fanconi anemia (FA). Also called: Fanconi's anemia. Identifiers: Orphanet 84, MedGen C0015625, MeSH D005199, MONDO:0019391.
Spermatogenic failure 28. Identifiers: MedGen C4748117, MONDO:0054732, OMIM 618086.
Premature ovarian failure 15. Identifiers: MedGen C4748170, MONDO:0054862, OMIM 618096.

Allele frequency attached by ClinVar (database versions not stated): TOPMed below 0.00001; gnomAD 0.00001.
gnomAD v4.1: 7 of 1,610,474 alleles (0.00043%); highest among the groups gnomAD compares: East Asian, 0.0022%; no homozygotes.

Submissions (3):

GeneDx
Classification: Uncertain significance. Last evaluated: 2024-01-26. Review status: criteria provided, single submitter. Criteria: GeneDx Variant Classification Process June 2021. Collection method: clinical testing. Allele origin: germline. Affected: yes.
Comment: Not observed at significant frequency in large population cohorts (gnomAD); In silico analysis supports that this missense variant has a deleterious effect on protein structure/function; Has not been previously published as pathogenic or benign to our knowledge

Labcorp Genetics (formerly Invitae), Labcorp
Classification: Uncertain significance for Fanconi anemia. Last evaluated: 2022-04-25. Review status: criteria provided, single submitter. Criteria: Invitae Variant Classification Sherloc (09022015). Collection method: clinical testing. Allele origin: germline.
Comment: This sequence change replaces arginine, which is basic and polar, with histidine, which is basic and polar, at codon 270 of the FANCM protein (p.Arg270His). This variant is present in population databases (no rsID available, gnomAD 0.01%). This variant has not been reported in the literature in individuals affected with FANCM-related conditions. Algorithms developed to predict the effect of missense changes on protein structure and function are either unavailable or do not agree on the potential impact of this missense change (SIFT: "Tolerated"; PolyPhen-2: "Possibly Damaging"; Align-GVGD: "Class C0"). In summary, the available evidence is currently insufficient to determine the role of this variant in disease. Therefore, it has been classified as a Variant of Uncertain Significance.

Fulgent Genetics
Classification: Uncertain significance for Spermatogenic failure 28; Premature ovarian failure 15. Last evaluated: 2021-12-21. Review status: criteria provided, single submitter. Criteria: ACMG Guidelines, 2015. Collection method: clinical testing. Allele origin: unknown.